The following is an entry in ClinVar:

NM_001165963.4(SCN1A):c.1178G>T (p.Arg393Leu)

Gene: SCN1A (sodium voltage-gated channel alpha subunit 1; minus strand). Cytogenetic location: 2q24.3.
Variant type: single nucleotide variant.
Coding change: c.1178G>T on transcript NM_001165963.4 (MANE Select); coding-DNA position 1178, G replaced by T.
Protein change: p.Arg393Leu; replaces arginine 393 with leucine.
Molecular consequence: missense variant. On other transcripts: 5 prime UTR variant (1), non-coding transcript variant (1).
Genome position (GRCh38, 1-based): chr2:166,046,969, C>A on the plus strand (G>T on the coding strand, the complement: SCN1A is on the minus strand). VCF-style: chr2-166046969-C-A. GRCh37 (hg19) VCF-style: chr2-166903479-C-A.
Other names: c.1178G>T, p.Arg393Leu (NM_001165964.3, NM_001202435.3, NM_001353948.2 and 10 more transcripts); c.-1248G>T (NM_001353961.2); short protein forms R393L.
Identifiers: ClinVar variation 4852170 (VCV004852170.1).
Genomic context (GRCh38, chr2:166,046,969, plus strand): 5'-TAGAATGAGCCCAAGAAAATGACCAATACAAAAAATATCATGTACGTTTTCCCAGCAGCA[C>A]GTAATGTCTGCAAACAAAAATATCAGAATTATTTCTCAATATTATTTCACTAAGTGGTGG-3'
Protein context (NP_001159435.1, residues 383-403): FWENLYQLTL[Arg393Leu]AAGKTYMIFF

ClinVar aggregate classification (germline): Likely pathogenic (1 of 4 stars; one submission).

Conditions:
Autosomal dominant SCN1A-related disorders.

Submission:

Variantyx, Inc.
Classification: Likely pathogenic for Autosomal dominant SCN1A-related disorders. Last evaluated: 2025-08-31. Review status: criteria provided, single submitter. Criteria: Variantyx Assertion Criteria 2022. Collection method: clinical testing. Allele origin: germline. Inheritance: Autosomal dominant inheritance. Affected: yes.
Comment: This is a nonsynonymous variant in the SCN1A gene (OMIM: 182389). Pathogenic variants in this gene have been associated with autosomal dominant SCN1A-related disorders. This variant has been reported in an individual affected with Dravet syndrome (PMID: 28202706 ) (PS4_Moderate). Two alternate amino acid changes at this position (p.Arg393Cys, p.Arg393His) have been previously reported in similarly affected individuals, which suggests that this residue is biologically important (PMID: 17054684, 18930999, 12754708, 22780858) (PM5_Strong), and multiple computational algorithms predict a deleterious effect for this variant (REVEL score: 0.948) (PP3). This variant is absent from control populations (PM2). Based on the current evidence, this variant is classified as likely pathogenic for autosomal dominant SCN1A-related disorders.

Literature cited by the submitters: PubMed 28202706; PubMed 17054684; PubMed 18930999; PubMed 12754708; PubMed 22780858.